The following is an entry in ClinVar:

NM_004369.4(COL6A3):c.362G>T (p.Gly121Val)

Gene: COL6A3 (collagen type VI alpha 3 chain; minus strand). Cytogenetic location: 2q37.3.
Variant type: single nucleotide variant.
Coding change: c.362G>T on transcript NM_004369.4 (MANE Select); coding-DNA position 362, G replaced by T.
Protein change: p.Gly121Val; replaces glycine 121 with valine.
Molecular consequence: missense variant. On other transcripts: intron variant (4).
Genome position (GRCh38, 1-based): chr2:237,394,934, C>A on the plus strand (G>T on the coding strand, the complement: COL6A3 is on the minus strand). VCF-style: chr2-237394934-C-A. GRCh37 (hg19) VCF-style: chr2-238303577-C-A.
Other names: c.91+1793G>T (NM_057166.5, NM_057167.4, NM_057164.5 and 1 more transcripts); short protein forms G121V.
Identifiers: ClinVar variation 2440465 (VCV002440465.6), dbSNP rs762563572, ClinGen allele CA2189884.

ClinVar aggregate classification (germline): Uncertain significance. Review status: criteria provided, multiple submitters, no conflicts (2 of 4 stars). 2 submissions from 2 submitters: Uncertain significance (2). Last evaluated 2023-08-28.

Conditions:
Bethlem myopathy 1A. Also called: MYOPATHY, BENIGN CONGENITAL, WITH CONTRACTURES; Bethlem myopathy 1; Bethlem Muscular Dystrophy. Identifiers: Orphanet 610, MedGen CN029274, MONDO:0024530, OMIM 158810.

Allele frequency attached by ClinVar (database versions not stated): gnomAD exomes below 0.00001; ExAC 0.00002; TOPMed below 0.00001.
gnomAD v4.1: 3 of 1,613,958 alleles (0.00019%); highest among the groups gnomAD compares: Non-Finnish European, 0.00017%; no homozygotes.

Submissions (2):

Labcorp Genetics (formerly Invitae), Labcorp
Classification: Uncertain significance for Bethlem myopathy 1A. Last evaluated: 2023-08-28. Review status: criteria provided, single submitter. Criteria: Invitae Variant Classification Sherloc (09022015). Collection method: clinical testing. Allele origin: germline.
Comment: This sequence change replaces glycine, which is neutral and non-polar, with valine, which is neutral and non-polar, at codon 121 of the COL6A3 protein (p.Gly121Val). In summary, the available evidence is currently insufficient to determine the role of this variant in disease. Therefore, it has been classified as a Variant of Uncertain Significance. Advanced modeling of protein sequence and biophysical properties (such as structural, functional, and spatial information, amino acid conservation, physicochemical variation, residue mobility, and thermodynamic stability) performed at Invitae indicates that this missense variant is not expected to disrupt COL6A3 protein function. ClinVar contains an entry for this variant (Variation ID: 2440465). This variant has not been reported in the literature in individuals affected with COL6A3-related conditions. This variant is present in population databases (rs762563572, gnomAD 0.002%).

Revvity Omics, Revvity
Classification: Uncertain significance. Last evaluated: 2020-01-30. Review status: criteria provided, single submitter. Criteria: ACMG Guidelines, 2015. Collection method: clinical testing. Allele origin: germline.